The following is an entry in ClinVar:

ClinVar aggregate classification (germline): Benign (3 of 4 stars; one submission).

Conditions:
Breast-ovarian cancer, familial, susceptibility to, 2 (BROVCA2). Also called: BRCA2 Hereditary Breast and Ovarian Cancer. Identifiers: Orphanet 145, MedGen C2675520, MONDO:0012933, OMIM 612555. Disease mechanism: loss of function.

Allele frequency attached by ClinVar (database versions not stated): 1000 Genomes Project 0.00419; gnomAD 0.00495 and 0.00535; 1000 Genomes Project 30x 0.00500; TOPMed 0.00601.
gnomAD v4.1: 742 of 152,110 alleles (0.49%); highest among the groups gnomAD compares: African/African-American, 1.7%; 6 homozygotes.

Submission:

Evidence-based Network for the Interpretation of Germline Mutant Alleles (ENIGMA)
Classification: Benign for Breast-ovarian cancer, familial 2. Last evaluated: 2015-01-12. Review status: reviewed by expert panel. Criteria: ENIGMA BRCA1/2 Classification Criteria (2015). Collection method: curation. Allele origin: germline.
Comment: Class 1 not pathogenic based on frequency >1% in an outbred sampleset. Frequency 0.01829 (African), derived from 1000 genomes (2012-04-30).

NM_000059.4(BRCA2):c.317-1671G>A

Gene: BRCA2 (BRCA2 DNA repair associated; plus strand). Cytogenetic location: 13q13.1.
Variant type: single nucleotide variant.
Coding change: c.317-1671G>A on transcript NM_000059.4 (MANE Select); 1671 bases into the intron before coding-DNA position 317, G replaced by A.
Molecular consequence: intron variant.
Genome position (GRCh38, 1-based): chr13:32,323,405, G>A. VCF-style: chr13-32323405-G-A. GRCh37 (hg19) VCF-style: chr13-32897542-G-A.
Other names: IVS 3-1671G>A.
Identifiers: ClinVar variation 209638 (VCV000209638.1), dbSNP rs180863416, ClinGen allele CA276607.